The following is an entry in ClinVar:

NM_000059.4(BRCA2):c.5264A>G (p.Glu1755Gly)

Gene: BRCA2 (BRCA2 DNA repair associated; plus strand). Cytogenetic location: 13q13.1.
Variant type: single nucleotide variant.
Coding change: c.5264A>G on transcript NM_000059.4 (MANE Select); coding-DNA position 5264, A replaced by G.
Protein change: p.Glu1755Gly; replaces glutamic acid 1755 with glycine.
Molecular consequence: missense variant.
Genome position (GRCh38, 1-based): chr13:32,339,619, A>G. VCF-style: chr13-32339619-A-G. GRCh37 (hg19) VCF-style: chr13-32913756-A-G.
Other names: short protein forms E1755G.
Identifiers: ClinVar variation 1061297 (VCV001061297.12), dbSNP rs2137515724, ClinGen allele CA387784731.

ClinVar aggregate classification (germline): Conflicting classifications of pathogenicity. Review status: criteria provided, conflicting classifications (1 of 4 stars). 3 submissions from 3 submitters: Uncertain significance (2); Likely benign (1). Last evaluated 2026-01-20.

Conditions:
Hereditary cancer-predisposing syndrome. Also called: Neoplastic Syndromes, Hereditary; Hereditary Cancer Syndrome; Hereditary neoplastic syndrome; Tumor predisposition. Identifiers: Orphanet 140162, MedGen C0027672, MeSH D009386, MONDO:0015356.
Hereditary breast ovarian cancer syndrome. Also called: Hereditary breast and/or ovarian cancer syndrome; Breast and ovarian cancer; BRCA1- and BRCA2-Associated Hereditary Breast and Ovarian Cancer; Hereditary breast and ovarian cancer syndrome; Hereditary breast and ovarian cancer syndrome (HBOC); Hereditary breast and ovarian cancer. Identifiers: Orphanet 145, MedGen C0677776, MeSH D061325, MONDO:0003582. Disease mechanism: loss of function.

Submissions (3):

Labcorp Genetics (formerly Invitae), Labcorp
Classification: Uncertain significance for Hereditary breast ovarian cancer syndrome. Last evaluated: 2026-01-20. Review status: criteria provided, single submitter. Criteria: Invitae Variant Classification Sherloc (09022015). Collection method: clinical testing. Allele origin: germline.
Comment: This sequence change replaces glutamic acid, which is acidic and polar, with glycine, which is neutral and non-polar, at codon 1755 of the BRCA2 protein (p.Glu1755Gly). This variant is not present in population databases (gnomAD no frequency). This variant has not been reported in the literature in individuals affected with BRCA2-related conditions. ClinVar contains an entry for this variant (Variation ID: 1061297). Invitae Evidence Modeling of protein sequence and biophysical properties (such as structural, functional, and spatial information, amino acid conservation, physicochemical variation, residue mobility, and thermodynamic stability) indicates that this missense variant is not expected to disrupt BRCA2 protein function with a negative predictive value of 95%. In summary, the available evidence is currently insufficient to determine the role of this variant in disease. Therefore, it has been classified as a Variant of Uncertain Significance.

University of Washington Department of Laboratory Medicine, University of Washington
Classification: Likely benign for Hereditary cancer-predisposing syndrome. Last evaluated: 2023-03-23. Review status: criteria provided, single submitter. Criteria: Dines et al. (Genet Med. 2020). Collection method: curation. Allele origin: germline.
Comment: Missense variant in a coldspot region where missense variants are very unlikely to be pathogenic (PMID:31911673).

BRCA2 exon 11 coldspot. Reclassification based on statistical prior probability.

Ambry Genetics
Classification: Uncertain significance for Hereditary cancer-predisposing syndrome. Last evaluated: 2022-06-20. Review status: criteria provided, single submitter. Criteria: Ambry Variant Classification Scheme 2023. Collection method: clinical testing. Allele origin: germline.
Comment: The p.E1755G variant (also known as c.5264A>G), located in coding exon 10 of the BRCA2 gene, results from an A to G substitution at nucleotide position 5264. The glutamic acid at codon 1755 is replaced by glycine, an amino acid with similar properties. This amino acid position is conserved. In addition, this alteration is predicted to be tolerated by in silico analysis. Since supporting evidence is limited at this time, the clinical significance of this alteration remains unclear.